The following is an entry in ClinVar:

ClinVar aggregate classification (germline): Pathogenic. Review status: criteria provided, multiple submitters, no conflicts (2 of 4 stars). 3 submissions from 3 submitters: Pathogenic (3). Last evaluated 2025-10-02.

Conditions:
Alport syndrome. Also called: Hemorrhagic familial nephritis; Hemorrhagic hereditary nephritis; Congenital hereditary hematuria. Identifiers: Orphanet 63, MedGen C1567741, MONDO:0018965.

Submissions (3):

Natera, Inc.
Classification: Pathogenic for Alport syndrome. Last evaluated: 2025-10-02. Review status: criteria provided, single submitter. Criteria: Natera Variant Classification Schema (03/2026). Collection method: clinical testing. Allele origin: germline.
Comment: The c.3289+1G>A variant in COL4A4 is a canonical splice donor site variant predicted to affect pre-mRNA splicing, which may result in an abnormal transcript and altered protein product. This variant is expected to result in nonsense mediated decay, truncation, or a dysfunctional protein product. This variant is rare in the general population with a frequency below the threshold expected for the associated phenotype(s). This variant has been observed in one or more individuals affected with the associated recessive disease, as either homozygous or compound heterozygous with a second variant (PMID: 31831576). Additionally, this variant has been observed to segregate in affected family members (PMID: 19129241). Given the available evidence, this variant is classified as Pathogenic.

Labcorp Genetics (formerly Invitae), Labcorp
Classification: Pathogenic. Last evaluated: 2023-08-05. Review status: criteria provided, single submitter. Criteria: Invitae Variant Classification Sherloc (09022015). Collection method: clinical testing. Allele origin: germline.
Comment: For these reasons, this variant has been classified as Pathogenic. Algorithms developed to predict the effect of sequence changes on RNA splicing suggest that this variant may disrupt the consensus splice site. Disruption of this splice site has been observed in individuals with clinical features of Alport syndrome (PMID: 17396119, 31387071). This variant is not present in population databases (gnomAD no frequency). This sequence change affects a donor splice site in intron 35 of the COL4A4 gene. It is expected to disrupt RNA splicing. Variants that disrupt the donor or acceptor splice site typically lead to a loss of protein function (PMID: 16199547), and loss-of-function variants in COL4A4 are known to be pathogenic (PMID: 21196518, 24854265, 25307543).

Victorian Clinical Genetics Services, Murdoch Childrens Research Institute
Classification: Pathogenic for Alport syndrome. Last evaluated: 2022-06-24. Review status: criteria provided, single submitter. Criteria: ACMG Guidelines, 2015. Collection method: clinical testing. Allele origin: germline. Affected: yes.
Comment: Based on the classification scheme VCGS_Germline_v1.3.4, this variant is classified as Pathogenic. Following criteria are met: 0103 - Loss of function is a known mechanism of disease for this gene and is associated with COL4A4-related nephropathy. Dominant negative is a suspected mechanism of disease for this gene as it is a structural protein (PMIDs: 12028435, 24046192). (I) 0108 - This gene is associated with both recessive and dominant disease. Alport syndrome typically has biallelic inheritance, although rare cases of monoallelic inheritance have been reported (PMID: 28704582). Thin basement membrane disease (TBMD) and focal segmental glomerulosclerosis (FSGS) are associated with autosomal dominant inheritance (OMIM, PMIDs: 16467446, 17942953). (I) 0211 - Canonical splice site variant without proven consequence on splicing (no functional evidence available). (SP) 0251 - This variant is heterozygous. (I) 0301 - Variant is absent from gnomAD (both v2 and v3). (SP) 0505 - Abnormal splicing is predicted by in silico tools and affected nucleotide is highly conserved. (SP) 0703 - Other canonical splice variants comparable to the one identified in this case have moderate previous evidence for pathogenicity. These variants (c.3289+1G>T, c.3289+1G>C) have been reported as likely pathogenic (ClinVar, LOVD). (SP) 0803 - This variant has limited previous evidence of pathogenicity in unrelated individuals. This variant has been reported in two unrelated families with haematuria and/or proteinuria (PMID: 17396119, PMID: 19129241). (SP) 0901 - This variant has strong evidence for segregation with disease in two families (PMID: 17396119, PMID: 19129241). (SP) 1208 - Inheritance information for this variant is not currently available in this individual. (I) Legend: (SP) - Supporting pathogenic, (I) - Information, (SB) - Supporting benign

Literature cited by the submitters: PubMed 31831576 (cited by Natera, Inc.); PubMed 19129241 (cited by Natera, Inc. and Victorian Clinical Genetics Services, Murdoch Childrens Research Institute); PubMed 17396119 (cited by Labcorp Genetics (formerly Invitae), Labcorp and Victorian Clinical Genetics Services, Murdoch Childrens Research Institute); PubMed 31387071 (cited by Labcorp Genetics (formerly Invitae), Labcorp); PubMed 16199547 (cited by Labcorp Genetics (formerly Invitae), Labcorp); PubMed 21196518 (cited by Labcorp Genetics (formerly Invitae), Labcorp); PubMed 24854265 (cited by Labcorp Genetics (formerly Invitae), Labcorp); PubMed 25307543 (cited by Labcorp Genetics (formerly Invitae), Labcorp); PubMed 12028435 (cited by Victorian Clinical Genetics Services, Murdoch Childrens Research Institute); PubMed 16467446 (cited by Victorian Clinical Genetics Services, Murdoch Childrens Research Institute); PubMed 17942953 (cited by Victorian Clinical Genetics Services, Murdoch Childrens Research Institute); PubMed 24046192 (cited by Victorian Clinical Genetics Services, Murdoch Childrens Research Institute); PubMed 28704582 (cited by Victorian Clinical Genetics Services, Murdoch Childrens Research Institute).

NM_000092.5(COL4A4):c.3289+1G>A

Gene: COL4A4 (collagen type IV alpha 4 chain; minus strand). Cytogenetic location: 2q36.3.
Variant type: single nucleotide variant.
Coding change: c.3289+1G>A on transcript NM_000092.5 (MANE Select); the canonical splice donor site of the intron after coding-DNA position 3289, G replaced by A.
Molecular consequence: splice donor variant.
Genome position (GRCh38, 1-based): chr2:227,047,474, C>T on the plus strand (G>A on the coding strand, the complement: COL4A4 is on the minus strand). VCF-style: chr2-227047474-C-T. GRCh37 (hg19) VCF-style: chr2-227912190-C-T.
Other names: c.3289+1G>A (NM_000092.4).
Identifiers: ClinVar variation 2734406 (VCV002734406.5), dbSNP rs1973128133, ClinGen allele CA350838612.